The following is an entry in ClinVar:

ClinVar aggregate classification (germline): Conflicting classifications of pathogenicity. Review status: criteria provided, conflicting classifications (1 of 4 stars). 2 submissions from 2 submitters: Uncertain significance (1); Benign (1). Last evaluated 2023-05-01.

Conditions:
Methylmalonic aciduria, cblA type (MACA). Also called: Methylmalonic aciduria, vitamin B12-responsive; Methylmalonic aciduria, vitamin b12-responsive, due to defect in synthesis of adenosylcobalamin, cbla complementation type; MMA cbl A type; Methylmalonic acidemia cblA type; Vitamin B12-responsive methylmalonic acidemia type cblA. Identifiers: Orphanet 28, Orphanet 79310, MedGen C1855109, MONDO:0009613, OMIM 251100.

Allele frequency attached by ClinVar (database versions not stated): 1000 Genomes Project 0.00300; 1000 Genomes Project 30x 0.00359; TOPMed 0.00720; gnomAD 0.00777 and 0.00820; gnomAD exomes 0.04167.
gnomAD v4.1: 1,194 of 152,252 alleles (0.78%); highest among the groups gnomAD compares: Non-Finnish European, 1.3%; 7 homozygotes.

Submissions (2):

CeGaT Center for Human Genetics Tuebingen
Classification: Benign. Last evaluated: 2023-05-01. Review status: criteria provided, single submitter. Criteria: CeGaT Center For Human Genetics Tuebingen Variant Classification Criteria Version 2. Collection method: clinical testing. Allele origin: germline. Affected: yes. Observed: 3 variant alleles.
Comment: MMAA: BS1, BS2

Illumina Laboratory Services, Illumina
Classification: Uncertain significance for Methylmalonic aciduria, cblA type. Last evaluated: 2018-01-13. Review status: criteria provided, single submitter. Criteria: ICSL Variant Classification Criteria 13 December 2019. Collection method: clinical testing. Allele origin: germline.

NM_172250.3(MMAA):c.*600G>A

Gene: MMAA (metabolism of cobalamin associated A; plus strand). Cytogenetic location: 4q31.21.
Variant type: single nucleotide variant.
Coding change: c.*600G>A on transcript NM_172250.3 (MANE Select); 600 bases downstream of the stop codon, G replaced by A.
Molecular consequence: 3 prime UTR variant.
Genome position (GRCh38, 1-based): chr4:145,656,034, G>A. VCF-style: chr4-145656034-G-A. GRCh37 (hg19) VCF-style: chr4-146577186-G-A.
Identifiers: ClinVar variation 347621 (VCV000347621.29), dbSNP rs112882351, ClinGen allele CA10620150.